The following is an entry in ClinVar:

NM_001177693.2(ARHGEF28):c.3000T>G (p.Thr1000=)

Gene: ARHGEF28 (Rho guanine nucleotide exchange factor 28; plus strand). Cytogenetic location: 5q13.2.
Variant type: single nucleotide variant.
Coding change: c.3000T>G on transcript NM_001177693.2 (MANE Select); coding-DNA position 3000, T replaced by G.
Protein change: p.Thr1000=; no amino-acid change (threonine 1000 retained).
Molecular consequence: synonymous variant.
Genome position (GRCh38, 1-based): chr5:73,883,829, T>G. VCF-style: chr5-73883829-T-G. GRCh37 (hg19) VCF-style: chr5-73179654-T-G.
Other names: c.3000T>G, p.Thr1000= (NM_001080479.3, NM_001388078.1); c.2061T>G, p.Thr687= (NM_001244364.2); c.2706T>G, p.Thr902= (NM_001388076.1).
Identifiers: ClinVar variation 4999229 (VCV004999229.1).

ClinVar aggregate classification (germline): Likely benign (1 of 4 stars; one submission).

Conditions:
ARHGEF28-related disorder. Also called: ARHGEF28-related condition.

gnomAD v4.1: 12 of 1,580,508 alleles (0.00076%); highest among the groups gnomAD compares: Admixed American, 0.0036%; no homozygotes.

Submission:

PreventionGenetics, part of Exact Sciences
Classification: Likely benign for ARHGEF28-related condition. Last evaluated: 2024-10-07. Review status: criteria provided, single submitter. Criteria: ACMG Guidelines, 2015. Collection method: clinical testing. Allele origin: germline.
Comment: This variant is classified as likely benign based on ACMG/AMP sequence variant interpretation guidelines (Richards et al. 2015 PMID: 25741868, with internal and published modifications).